The following is an entry in ClinVar:

NM_004281.4(BAG3):c.507+18T>C

Gene: BAG3 (BAG cochaperone 3; plus strand). Cytogenetic location: 10q26.11.
Variant type: single nucleotide variant.
Coding change: c.507+18T>C on transcript NM_004281.4 (MANE Select); 18 bases into the intron after coding-DNA position 507, T replaced by C.
Molecular consequence: intron variant.
Genome position (GRCh38, 1-based): chr10:119,670,195, T>C. VCF-style: chr10-119670195-T-C. GRCh37 (hg19) VCF-style: chr10-121429707-T-C.
Identifiers: ClinVar variation 136492 (VCV000136492.1), dbSNP rs587780858, ClinGen allele CA289664.
Genomic context (GRCh38, chr10:119,670,195, plus strand): 5'-AGCGGCGGCGGCAGCCCAGCCCCCAGCCTCCCACGGACCTGAGGTAAGGAGAGGCCAGGC[T>C]CACCAGCCTGCTGGGGAGCAAGCCGCTGTGCTTCCCAGGCCGGGCCCATCCCCTCAGGAC-3'

ClinVar aggregate classification (germline): Benign (1 of 4 stars; one submission).

Submission:

GeneDx
Classification: Benign. Last evaluated: 2014-01-08. Review status: criteria provided, single submitter. Criteria: GeneDx Variant Classification (06012015). Collection method: clinical testing. Allele origin: germline. Affected: yes.
Comment: This variant is considered likely benign or benign based on one or more of the following criteria: it is a conservative change, it occurs at a poorly conserved position in the protein, it is predicted to be benign by multiple in silico algorithms, and/or has population frequency not consistent with disease.